The following is an entry in ClinVar:

NM_182641.4(BPTF):c.3010G>C (p.Asp1004His)

Gene: BPTF (bromodomain PHD finger transcription factor; plus strand). Cytogenetic location: 17q24.2.
Variant type: single nucleotide variant.
Coding change: c.3010G>C on transcript NM_182641.4 (MANE Select); coding-DNA position 3010, G replaced by C.
Protein change: p.Asp1004His; replaces aspartic acid 1004 with histidine.
Molecular consequence: missense variant.
Genome position (GRCh38, 1-based): chr17:67,910,894, G>C. VCF-style: chr17-67910894-G-C. GRCh37 (hg19) VCF-style: chr17-65907010-G-C.
Other names: c.3388G>C, p.Asp1130His (NM_004459.7); short protein forms D1004H, D1130H.
Identifiers: ClinVar variation 1306472 (VCV001306472.2), dbSNP rs867580057, ClinGen allele CA400725146.

ClinVar aggregate classification (germline): Uncertain significance (1 of 4 stars; one submission).

Submission:

GeneDx
Classification: Uncertain significance. Last evaluated: 2020-11-09. Review status: criteria provided, single submitter. Criteria: GeneDx Variant Classification Process June 2021. Collection method: clinical testing. Allele origin: germline. Affected: yes.
Comment: Not observed in large population cohorts (Lek et al., 2016); In silico analysis, which includes protein predictors and evolutionary conservation, supports that this variant does not alter protein structure/function; Has not been previously published as pathogenic or benign to our knowledge